The following is an entry in ClinVar:

NC_000001.10:g.(155160963_155162030)insG

Variant type: Insertion.
Identifiers: ClinVar variation 1302000 (VCV001302000.2).

ClinVar aggregate classification (germline): not provided (0 of 4 stars; one submission).

Conditions:
Tubulointerstitial kidney disease, autosomal dominant, 2 (ADTKD2). Also called: Medullary cystic kidney disease 1; MEDULLARY CYSTIC KIDNEY DISEASE, AUTOSOMAL DOMINANT; POLYCYSTIC KIDNEYS, MEDULLARY TYPE; Autosomal Dominant Tubulointerstitial Kidney Disease – MUC1. Identifiers: Orphanet 34149, Orphanet 88949, MedGen C1868139, MONDO:0020726, OMIM 174000.

Submission:

GeneReviews
No classification provided. Condition: Tubulointerstitial kidney disease, autosomal dominant, 2. Review status: no classification provided. Collection method: literature only. Allele origin: germline.
Comment: Variant encodes the MUC1fs protein [Zivna et al 2018]. This variant not detected by most available clinically MUC1 genetic testing.

Literature cited by the submitters: PubMed 29967284.